The following is an entry in ClinVar:

NM_153240.5(NPHP3):c.1399A>G (p.Ser467Gly)

Genes: NPHP3 (nephrocystin 3; minus strand), NPHP3-ACAD11 (NPHP3-ACAD11 readthrough (NMD candidate); minus strand). Cytogenetic location: 3q22.1.
Variant type: single nucleotide variant.
Coding change: c.1399A>G on transcript NM_153240.5 (MANE Select); coding-DNA position 1399, A replaced by G.
Protein change: p.Ser467Gly; replaces serine 467 with glycine.
Molecular consequence: missense variant. On other transcripts: non-coding transcript variant (1).
Genome position (GRCh38, 1-based): chr3:132,704,323, T>C on the plus strand (A>G on the coding strand, the complement: NPHP3 is on the minus strand). VCF-style: chr3-132704323-T-C. GRCh37 (hg19) VCF-style: chr3-132423167-T-C.
Other names: short protein forms S467G.
Identifiers: ClinVar variation 1501084 (VCV001501084.8), dbSNP rs751944855, ClinGen allele CA2622312.

ClinVar aggregate classification (germline): Uncertain significance (1 of 4 stars; one submission).

Conditions:
Nephronophthisis. Also called: Juvenile Nephronophthisis. Identifiers: Orphanet 655, MedGen C0687120, MONDO:0019005, HP:0000090.

Allele frequency attached by ClinVar (database versions not stated): TOPMed below 0.00001; gnomAD 0.00001; gnomAD exomes 0.00002 and 0.00004; ExAC 0.00008.
gnomAD v4.1: 17 of 1,614,104 alleles (0.0011%); highest among the groups gnomAD compares: Non-Finnish European, 0.00085%; no homozygotes.

Submission:

Labcorp Genetics (formerly Invitae), Labcorp
Classification: Uncertain significance for Nephronophthisis. Last evaluated: 2022-08-22. Review status: criteria provided, single submitter. Criteria: Invitae Variant Classification Sherloc (09022015). Collection method: clinical testing. Allele origin: germline.
Comment: ClinVar contains an entry for this variant (Variation ID: 1501084). In summary, the available evidence is currently insufficient to determine the role of this variant in disease. Therefore, it has been classified as a Variant of Uncertain Significance. Algorithms developed to predict the effect of sequence changes on RNA splicing suggest that this variant may create or strengthen a splice site. Algorithms developed to predict the effect of missense changes on protein structure and function output the following: SIFT: "Tolerated"; PolyPhen-2: "Benign"; Align-GVGD: "Class C0". The glycine amino acid residue is found in multiple mammalian species, which suggests that this missense change does not adversely affect protein function. This variant has not been reported in the literature in individuals affected with NPHP3-related conditions. This variant is present in population databases (rs751944855, gnomAD 0.008%). This sequence change replaces serine, which is neutral and polar, with glycine, which is neutral and non-polar, at codon 467 of the NPHP3 protein (p.Ser467Gly).